The following is an entry in ClinVar:

NM_003000.3(SDHB):c.113G>A (p.Arg38His)

Gene: SDHB (succinate dehydrogenase complex iron sulfur subunit B; minus strand). Cytogenetic location: 1p36.13.
Variant type: single nucleotide variant.
Coding change: c.113G>A on transcript NM_003000.3 (MANE Select); coding-DNA position 113, G replaced by A.
Protein change: p.Arg38His; replaces arginine 38 with histidine.
Molecular consequence: missense variant.
Genome position (GRCh38, 1-based): chr1:17,044,848, C>T on the plus strand (G>A on the coding strand, the complement: SDHB is on the minus strand). VCF-style: chr1-17044848-C-T. GRCh37 (hg19) VCF-style: chr1-17371343-C-T.
Other names: short protein forms R38H.
Identifiers: ClinVar variation 239420 (VCV000239420.35), dbSNP rs143058777, ClinGen allele CA089514.
Genomic context (GRCh38, chr1:17,044,848, plus strand): 5'-ATATGAGGTTTGTCTCCAGCCTTGTCTGGGTCCCATCGATAGATGGCAAATTTCTTGATA[C>T]GGGGAGCTGTGGCTGCAGCTGTCTGGGCTCCTCGGGAGGCCTGAAATTTTTTAAAGTTCA-3'
Protein context (NP_002991.2, residues 28-48): GAQTAAATAP[Arg38His]IKKFAIYRWD

ClinVar aggregate classification (germline): Conflicting classifications of pathogenicity. Review status: criteria provided, conflicting classifications (1 of 4 stars). 12 submissions from 11 submitters: Uncertain significance (2); Benign (1); Likely benign (9). Last evaluated 2026-06-01.

Conditions:
Mitochondrial complex 2 deficiency, nuclear type 4. Also called: MITOCHONDRIAL COMPLEX II DEFICIENCY, NUCLEAR TYPE 4. Identifiers: MedGen C5543176, MONDO:0030974, OMIM 619224.
Pheochromocytoma/paraganglioma syndrome 4. Also called: PARAGANGLIOMA, FAMILIAL MALIGNANT; PARAGANGLIOMAS, HEREDITARY EXTRAADRENAL; PHEOCHROMOCYTOMA, FAMILIAL EXTRAADRENAL; Paragangliomas 4; CAROTID BODY TUMORS AND MULTIPLE EXTRAADRENAL PHEOCHROMOCYTOMAS; SDHB-Related Hereditary Paraganglioma-Pheochromocytoma Syndrome (Paragangliomas 4). Identifiers: Orphanet 29072, MedGen C1861848, MONDO:0007273, OMIM 115310.
Gastrointestinal stromal tumor. Also called: Gastrointestinal stromal tumor, somatic; Gastrointestinal stroma tumor. Identifiers: Orphanet 44890, MedGen C0238198, MeSH D046152, MONDO:0011719, OMIM 606764, HP:0100723.
Pheochromocytoma. Also called: MAX-Related Hereditary Paraganglioma-Pheochromocytoma Syndrome. Identifiers: Orphanet 29072, MedGen C0031511, MONDO:0008233, OMIM 171300, HP:0002666.
Carney-Stratakis syndrome. Also called: PARAGANGLIOMA AND GASTROINTESTINAL STROMAL TUMOR. Identifiers: Orphanet 97286, MedGen C1847319, MONDO:0011740, OMIM 606864.
Hereditary pheochromocytoma and paraganglioma. Also called: Hereditary Paraganglioma-Pheochromocytoma Syndromes; Hereditary paragangliomas and pheochromocytomas; Hereditary pheochromocytoma-paraganglioma. Identifiers: Orphanet 29072, MedGen C4274332, MONDO:0017366.
Hereditary cancer-predisposing syndrome. Also called: Tumor predisposition; Hereditary Cancer Syndrome; Neoplastic Syndromes, Hereditary; Hereditary neoplastic syndrome. Identifiers: Orphanet 140162, MedGen C0027672, MeSH D009386, MONDO:0015356.

Allele frequency attached by ClinVar (database versions not stated): TOPMed 0.00007; gnomAD 0.00010; ESP Exome Variant Server 0.00015; ExAC 0.00054; 1000 Genomes Project 0.00120; 1000 Genomes Project 30x 0.00125.
gnomAD v4.1: 325 of 1,613,880 alleles (0.02%); highest among the groups gnomAD compares: South Asian, 0.29%; 2 homozygotes.

Submissions (12):

CeGaT Center for Human Genetics Tuebingen
Classification: Likely benign. Last evaluated: 2026-06-01. Review status: criteria provided, single submitter. Criteria: CeGaT Center For Human Genetics Tuebingen Variant Classification Criteria Version 2. Collection method: clinical testing. Allele origin: germline. Affected: yes. Observed: 1 variant allele.
Comment: SDHB: BS3:Supporting

Labcorp Genetics (formerly Invitae), Labcorp
Classification: Likely benign for Gastrointestinal stromal tumor; Pheochromocytoma/paraganglioma syndrome 4; Pheochromocytoma. Last evaluated: 2026-01-28. Review status: criteria provided, single submitter. Criteria: Invitae Variant Classification Sherloc (09022015). Collection method: clinical testing. Allele origin: germline.

Center for Genomic Medicine, Rigshospitalet, Copenhagen University Hospital
Classification: Uncertain significance. Last evaluated: 2025-03-04. Review status: criteria provided, single submitter. Criteria: ACMG Guidelines, 2015. Collection method: clinical testing. Allele origin: germline.

Department of Pathology and Laboratory Medicine, Sinai Health System
Classification: Likely benign for Pheochromocytoma/paraganglioma syndrome 4; Gastrointestinal stromal tumor; Carney-Stratakis syndrome; Mitochondrial complex 2 deficiency, nuclear type 4. Last evaluated: 2024-11-05. Review status: criteria provided, single submitter. Criteria: ACMG Guidelines, 2015. Collection method: clinical testing. Allele origin: germline.

Blueprint Genetics
Classification: Likely benign. Last evaluated: 2024-09-05. Review status: criteria provided, single submitter. Criteria: ACMG Guidelines, 2015. Collection method: clinical testing. Allele origin: germline.

KCCC/NGS Laboratory, Kuwait Cancer Control Center
Classification: Likely benign for Pheochromocytoma/paraganglioma syndrome 4. Last evaluated: 2023-07-07. Review status: criteria provided, single submitter. Criteria: ACMG Guidelines, 2015. Collection method: clinical testing. Allele origin: germline. Affected: yes.

Color Diagnostics, LLC DBA Color Health
Classification: Benign for Hereditary pheochromocytoma and paraganglioma. Last evaluated: 2022-11-08. Review status: criteria provided, single submitter. Criteria: ACMG Guidelines, 2015. Collection method: clinical testing. Allele origin: germline.

GeneDx
Classification: Likely benign. Last evaluated: 2018-12-18. Review status: criteria provided, single submitter. Criteria: GeneDx Variant Classification Process June 2021. Collection method: clinical testing. Allele origin: germline. Affected: yes.
Comment: This variant is associated with the following publications: (PMID: 24813157, 27425854)

Ambry Genetics
Classification: Likely benign for Hereditary cancer-predisposing syndrome. Last evaluated: 2018-07-13. Review status: criteria provided, single submitter. Criteria: Ambry Variant Classification Scheme 2023. Collection method: clinical testing. Allele origin: germline.

Illumina Laboratory Services, Illumina
Classification: Likely benign for Hereditary Paraganglioma-Pheochromocytoma Syndromes. Last evaluated: 2017-04-27. Review status: criteria provided, single submitter. Criteria: ICSL Variant Classification Criteria 13 December 2019. Collection method: clinical testing. Allele origin: germline.
Comment: This variant was observed as part of a predisposition screen in an ostensibly healthy population. A literature search was performed for the gene, cDNA change, and amino acid change (where applicable). Publications were found based on this search. The evidence from the literature, in combination with allele frequency data from public databases where available, was sufficient to determine this variant is unlikely to cause disease. Therefore, this variant is classified as likely benign.

Illumina Laboratory Services, Illumina
Classification: Likely benign for Carney-Stratakis syndrome. Last evaluated: 2017-04-27. Review status: criteria provided, single submitter. Criteria: ICSL Variant Classification Criteria 13 December 2019. Collection method: clinical testing. Allele origin: germline.
Comment: the same text as in the submission from Illumina Laboratory Services, Illumina above.

Kasturba Medical College, Manipal, Kasturba Medical College, Manipal, Manipal Academy of Higher Education, Manipal, India
Classification: Uncertain significance for Mitochondrial complex 2 deficiency, nuclear type 4. Review status: criteria provided, single submitter. Criteria: ACMG Guidelines, 2015. Collection method: clinical testing. Allele origin: inherited. Inheritance: Autosomal recessive inheritance. Affected: yes.

Literature cited by the submitters: PubMed 11897817 (cited by Illumina Laboratory Services, Illumina).